The following is an entry in ClinVar:

NM_000169.3(GLA):c.65T>C (p.Val22Ala)

Genes: GLA (galactosidase alpha; minus strand), RPL36A-HNRNPH2 (RPL36A-HNRNPH2 readthrough; plus strand). Cytogenetic location: Xq22.1.
Variant type: single nucleotide variant.
Coding change: c.65T>C on transcript NM_000169.3 (MANE Select); coding-DNA position 65, T replaced by C.
Protein change: p.Val22Ala; replaces valine 22 with alanine.
Molecular consequence: missense variant. On other transcripts: non-coding transcript variant (3), intron variant (2).
Genome position (GRCh38, 1-based): chrX:101,407,839, A>G on the plus strand (T>C on the coding strand, the complement: GLA is on the minus strand). VCF-style: chrX-101407839-A-G. GRCh37 (hg19) VCF-style: chrX-100662827-A-G.
Other names: c.65T>C, p.Val22Ala (NM_001406747.1, NM_001406748.1, NM_001406749.1); c.301-4097A>G (NM_001199973.2); c.178-4097A>G (NM_001199974.2); short protein forms V22A.
Identifiers: ClinVar variation 4087371 (VCV004087371.2).

ClinVar aggregate classification (germline): Uncertain significance (1 of 4 stars; one submission).

Conditions:
Fabry disease. Also called: ALPHA-GALACTOSIDASE A DEFICIENCY; ANDERSON-FABRY DISEASE; CERAMIDE TRIHEXOSIDASE DEFICIENCY; GLA DEFICIENCY; HEREDITARY DYSTOPIC LIPIDOSIS; Angiokeratoma corporis diffusum. Identifiers: Orphanet 324, MedGen C0002986, MONDO:0010526, OMIM 301500, HP:0001071. Disease mechanism: Fabry disease is due to inactivating mutations in the X-linked GLA gene resulting in deficiency of the enzyme Alpha Galactosidase-A., loss of function.

Submission:

Genomenon, Inc
Classification: Uncertain significance for Fabry disease. Last evaluated: 2026-09-08. Review status: criteria provided, single submitter. Criteria: Genomenon Sequence Variant Interpretation Standards - Updated. Collection method: curation. Allele origin: germline. Affected: no.
Comment: GLA p.Val22Ala (c.65T>C) is a missense variant that changes the amino acid at codon 22 from Valine to Alanine. This variant has been reported in the published literature (PMID:32531501;32023956). It is absent or not present at a significant frequency in gnomAD. In conclusion, we classify GLA p.Val22Ala (c.65T>C) as a variant of uncertain significance.

Literature cited by the submitters: PubMed 32531501; PubMed 32023956.